The following is an entry in ClinVar:

NM_014804.3(KIAA0753):c.2440G>C (p.Asp814His)

Gene: KIAA0753 (KIAA0753; minus strand). Cytogenetic location: 17p13.1.
Variant type: single nucleotide variant.
Coding change: c.2440G>C on transcript NM_014804.3 (MANE Select); coding-DNA position 2440, G replaced by C.
Protein change: p.Asp814His; replaces aspartic acid 814 with histidine.
Molecular consequence: missense variant. On other transcripts: non-coding transcript variant (3).
Genome position (GRCh38, 1-based): chr17:6,594,972, C>G on the plus strand (G>C on the coding strand, the complement: KIAA0753 is on the minus strand). VCF-style: chr17-6594972-C-G. GRCh37 (hg19) VCF-style: chr17-6498292-C-G.
Other names: c.1543G>C, p.Asp515His (NM_001351225.2); short protein forms D515H, D814H.
Identifiers: ClinVar variation 3662782 (VCV003662782.2).

ClinVar aggregate classification (germline): Uncertain significance (1 of 4 stars; one submission).

gnomAD v4.1: 1 of 1,604,936 alleles (0.000062%); highest among the groups gnomAD compares: South Asian, 0.0011%; no homozygotes.

Submission:

Labcorp Genetics (formerly Invitae), Labcorp
Classification: Uncertain significance. Last evaluated: 2024-08-18. Review status: criteria provided, single submitter. Criteria: Invitae Variant Classification Sherloc (09022015). Collection method: clinical testing. Allele origin: germline.
Comment: This sequence change replaces aspartic acid, which is acidic and polar, with histidine, which is basic and polar, at codon 814 of the KIAA0753 protein (p.Asp814His). This variant also falls at the last nucleotide of exon 16, which is part of the consensus splice site for this exon. This variant is present in population databases (no rsID available, gnomAD 0.003%). This variant has not been reported in the literature in individuals affected with KIAA0753-related conditions. An algorithm developed to predict the effect of missense changes on protein structure and function (PolyPhen-2) suggests that this variant is likely to be disruptive. Variants that disrupt the consensus splice site are a relatively common cause of aberrant splicing (PMID: 17576681, 9536098). In summary, the available evidence is currently insufficient to determine the role of this variant in disease. Therefore, it has been classified as a Variant of Uncertain Significance.

Literature cited by the submitters: PubMed 17576681; PubMed 9536098.